The following is an entry in ClinVar:

ClinVar aggregate classification (germline): Likely benign (1 of 4 stars; one submission).

Allele frequency attached by ClinVar (database versions not stated): ESP Exome Variant Server 0.00069; 1000 Genomes Project 0.00080; 1000 Genomes Project 30x 0.00094.
gnomAD v4.1: 1,740 of 1,614,190 alleles (0.11%); highest among the groups gnomAD compares: Non-Finnish European, 0.12%; 3 homozygotes.

Submission:

CeGaT Center for Human Genetics Tuebingen
Classification: Likely benign. Last evaluated: 2023-02-01. Review status: criteria provided, single submitter. Criteria: CeGaT Center For Human Genetics Tuebingen Variant Classification Criteria Version 2. Collection method: clinical testing. Allele origin: germline. Affected: yes. Observed: 1 variant allele.
Comment: LRIG1: BP4, BS2

NM_015541.3(LRIG1):c.2912A>T (p.Asp971Val)

Gene: LRIG1 (leucine rich repeats and immunoglobulin like domains 1; minus strand). Cytogenetic location: 3p14.1.
Variant type: single nucleotide variant.
Coding change: c.2912A>T on transcript NM_015541.3 (MANE Select); coding-DNA position 2912, A replaced by T.
Protein change: p.Asp971Val; replaces aspartic acid 971 with valine.
Molecular consequence: missense variant.
Genome position (GRCh38, 1-based): chr3:66,380,720, T>A on the plus strand (A>T on the coding strand, the complement: LRIG1 is on the minus strand). VCF-style: chr3-66380720-T-A. GRCh37 (hg19) VCF-style: chr3-66431144-T-A.
Other names: c.2837A>T, p.Asp946Val (NM_001377344.1); c.2132A>T, p.Asp711Val (NM_001377345.1, NM_001377346.1); c.1910A>T, p.Asp637Val (NM_001377347.1); c.1883A>T, p.Asp628Val (NM_001377348.1); c.1628A>T, p.Asp543Val (NM_001377349.1); short protein forms D543V, D628V, D637V, D711V, D946V, D971V.
Identifiers: ClinVar variation 2653955 (VCV002653955.24), dbSNP rs140085866, ClinGen allele CA2484109.
Genomic context (GRCh38, chr3:66,380,720, plus strand): 5'-CACTCGGGGCAGGACCCAGCGGCAGTCCTGCTGCACTGGTGATGTGGAGAATGCTCTTGG[T>A]CACTCCCACCCGGCTCCGGGCCATTTGGCGCACTTGGCTGTGCGCTGTCTCTGGACACAG-3'
Protein context (NP_056356.2, residues 961-981): APNGPEPGGS[Asp971Val]QEHSPHHQCS